The following is an entry in ClinVar:

NM_001080449.3(DNA2):c.1817del (p.Tyr606fs)

Gene: DNA2 (DNA replication helicase/nuclease 2; minus strand). Cytogenetic location: 10q21.3.
Variant type: Deletion.
Coding change: c.1817del on transcript NM_001080449.3 (MANE Select); coding-DNA position 1817, one base deleted (A; older notation c.1817delA).
Protein change: p.Tyr606fs; shifts the reading frame from tyrosine 606.
Molecular consequence: frameshift variant. On other transcripts: non-coding transcript variant (1).
Genome position (GRCh38, 1-based): chr10:68,432,262, T deleted on the plus strand (A on the coding strand, the reverse complement: DNA2 is on the minus strand). VCF-style (leftmost placement, unchanged base first): chr10-68432261-GT-G. GRCh37 (hg19) VCF-style: chr10-70192018-GT-G.
Other names: short protein forms Y606fs.
Identifiers: ClinVar variation 817733 (VCV000817733.1), dbSNP rs1590055107, ClinGen allele CA915945932.

ClinVar aggregate classification (germline): Likely pathogenic (1 of 4 stars; one submission).

Allele frequency attached by ClinVar (database versions not stated): TOPMed below 0.00001; gnomAD exomes 0.00001.

Submission:

GeneDx
Classification: Likely pathogenic. Last evaluated: 2018-07-24. Review status: criteria provided, single submitter. Criteria: GeneDx Variant Classification (06012015). Collection method: clinical testing. Allele origin: germline. Affected: yes.
Comment: The c.1817delA variant in the DNA2 gene has not been reported previously as a pathogenic variant nor as a benign variant, to our knowledge. The c.1817delA variant causes a frameshift starting with codon Tyrosine 606, changes this amino acid to a Serine residue, and creates a premature Stop codon at position 18 of the new reading frame, denoted p.Tyr606SerfsX18. This variant is predicted to cause loss of normal protein function either through protein truncation or nonsense-mediated mRNA decay. The c.1817delA variant is not observed in large population cohorts (Lek et al., 2016). We interpret c.1817delA as a likely pathogenic variant.